The following is an entry in ClinVar:

ClinVar aggregate classification (germline): Uncertain significance (1 of 4 stars; one submission).

Allele frequency attached by ClinVar (database versions not stated): gnomAD exomes 0.00001 and below 0.00001; ExAC 0.00002.
gnomAD v4.1: 6 of 1,614,198 alleles (0.00037%); highest among the groups gnomAD compares: South Asian, 0.0033%; no homozygotes.

Submission:

Labcorp Genetics (formerly Invitae), Labcorp
Classification: Uncertain significance. Last evaluated: 2022-09-07. Review status: criteria provided, single submitter. Criteria: Invitae Variant Classification Sherloc (09022015). Collection method: clinical testing. Allele origin: germline.
Comment: In summary, the available evidence is currently insufficient to determine the role of this variant in disease. Therefore, it has been classified as a Variant of Uncertain Significance. Advanced modeling of protein sequence and biophysical properties (such as structural, functional, and spatial information, amino acid conservation, physicochemical variation, residue mobility, and thermodynamic stability) performed at Invitae indicates that this missense variant is not expected to disrupt FLNB protein function. ClinVar contains an entry for this variant (Variation ID: 1042435). This variant has not been reported in the literature in individuals affected with FLNB-related conditions. This variant is present in population databases (rs751757179, gnomAD 0.003%). This sequence change replaces glutamic acid, which is acidic and polar, with lysine, which is basic and polar, at codon 1051 of the FLNB protein (p.Glu1051Lys).

NM_001457.4(FLNB):c.3151G>A (p.Glu1051Lys)

Gene: FLNB (filamin B; plus strand). Cytogenetic location: 3p14.3.
Variant type: single nucleotide variant.
Coding change: c.3151G>A on transcript NM_001457.4 (MANE Select); coding-DNA position 3151, G replaced by A.
Protein change: p.Glu1051Lys; replaces glutamic acid 1051 with lysine.
Molecular consequence: missense variant.
Genome position (GRCh38, 1-based): chr3:58,123,117, G>A. VCF-style: chr3-58123117-G-A. GRCh37 (hg19) VCF-style: chr3-58108844-G-A.
Other names: c.3151G>A, p.Glu1051Lys (NM_001164317.2, NM_001164318.2, NM_001164319.2); short protein forms E1051K.
Identifiers: ClinVar variation 1042435 (VCV001042435.5), dbSNP rs751757179, ClinGen allele CA2468345.